The following is an entry in ClinVar:

NM_024642.5(GALNT12):c.665A>G (p.Asp222Gly)

Gene: GALNT12 (polypeptide N-acetylgalactosaminyltransferase 12; plus strand). Cytogenetic location: 9q22.33.
Variant type: single nucleotide variant.
Coding change: c.665A>G on transcript NM_024642.5 (MANE Select); coding-DNA position 665, A replaced by G.
Protein change: p.Asp222Gly; replaces aspartic acid 222 with glycine.
Molecular consequence: missense variant.
Genome position (GRCh38, 1-based): chr9:98,826,875, A>G. VCF-style: chr9-98826875-A-G. GRCh37 (hg19) VCF-style: chr9-101589157-A-G.
Other names: c.665A>G (NM_024642.4); short protein forms D222G.
Identifiers: ClinVar variation 2992738 (VCV002992738.4), dbSNP rs2490502153, ClinGen allele CA374217634.

ClinVar aggregate classification (germline): Uncertain significance. Review status: criteria provided, multiple submitters, no conflicts (2 of 4 stars). 2 submissions from 2 submitters: Uncertain significance (2). Last evaluated 2025-08-20.

Submissions (2):

Ambry Genetics
Classification: Uncertain significance. Last evaluated: 2025-08-20. Review status: criteria provided, single submitter. Criteria: Ambry Variant Classification Scheme 2023. Collection method: clinical testing. Allele origin: germline.
Comment: The p.D222G variant (also known as c.665A>G), located in coding exon 3 of the GALNT12 gene, results from an A to G substitution at nucleotide position 665. The aspartic acid at codon 222 is replaced by glycine, an amino acid with similar properties. This amino acid position is conserved. In addition, this alteration is predicted to be tolerated by in silico analysis. Based on the available evidence, the clinical significance of this variant remains unclear.

Labcorp Genetics (formerly Invitae), Labcorp
Classification: Uncertain significance. Last evaluated: 2023-03-29. Review status: criteria provided, single submitter. Criteria: Invitae Variant Classification Sherloc (09022015). Collection method: clinical testing. Allele origin: germline.
Comment: In summary, the available evidence is currently insufficient to determine the role of this variant in disease. Therefore, it has been classified as a Variant of Uncertain Significance. Advanced modeling of protein sequence and biophysical properties (such as structural, functional, and spatial information, amino acid conservation, physicochemical variation, residue mobility, and thermodynamic stability) performed at Invitae indicates that this missense variant is not expected to disrupt GALNT12 protein function. This variant has not been reported in the literature in individuals affected with GALNT12-related conditions. This variant is not present in population databases (gnomAD no frequency). This sequence change replaces aspartic acid, which is acidic and polar, with glycine, which is neutral and non-polar, at codon 222 of the GALNT12 protein (p.Asp222Gly).